The following is an entry in ClinVar:

ClinVar aggregate classification (germline): Uncertain significance (1 of 4 stars; one submission).

Conditions:
Hypertrophic cardiomyopathy. Also called: HYPERTROPHIC MYOCARDIOPATHY. Identifiers: Orphanet 217569, MedGen C0007194, MeSH D002312, MONDO:0005045, HP:0001639.

Submission:

Labcorp Genetics (formerly Invitae), Labcorp
Classification: Uncertain significance for Hypertrophic cardiomyopathy. Last evaluated: 2020-05-06. Review status: criteria provided, single submitter. Criteria: Invitae Variant Classification Sherloc (09022015). Collection method: clinical testing. Allele origin: germline.
Comment: This variant has not been reported in the literature in individuals with MYOM1-related conditions. This variant is not present in population databases (ExAC no frequency). This sequence change creates a premature translational stop signal (p.Cys1031*) in the MYOM1 gene. It is expected to result in an absent or disrupted protein product. In summary, the available evidence is currently insufficient to determine the role of this variant in disease. Therefore, it has been classified as a Variant of Uncertain Significance. The current clinical and genetic evidence is not sufficient to establish whether loss-of-function variants in MYOM1 cause disease.

NM_003803.4(MYOM1):c.3093T>A (p.Cys1031Ter)

Gene: MYOM1 (myomesin 1; minus strand). Cytogenetic location: 18p11.31.
Variant type: single nucleotide variant.
Coding change: c.3093T>A on transcript NM_003803.4 (MANE Select); coding-DNA position 3093, T replaced by A.
Protein change: p.Cys1031Ter; replaces cysteine 1031 with a stop codon.
Molecular consequence: nonsense.
Genome position (GRCh38, 1-based): chr18:3,119,894, A>T on the plus strand (T>A on the coding strand, the complement: MYOM1 is on the minus strand). VCF-style: chr18-3119894-A-T. GRCh37 (hg19) VCF-style: chr18-3119892-A-T.
Other names: c.2805T>A, p.Cys935Ter (NM_019856.2); short protein forms C1031*, C935*.
Identifiers: ClinVar variation 1036497 (VCV001036497.6), dbSNP rs2079660011, ClinGen allele CA401706843.